The following is an entry in ClinVar:

NM_001378615.1(CC2D2A):c.2336G>A (p.Ser779Asn)

Genes: CC2D2A (coiled-coil and C2 domain containing 2A; plus strand), FBXL5 (F-box and leucine rich repeat protein 5; minus strand). Cytogenetic location: 4p15.32.
Variant type: single nucleotide variant.
Coding change: c.2336G>A on transcript NM_001378615.1 (MANE Select); coding-DNA position 2336, G replaced by A.
Protein change: p.Ser779Asn; replaces serine 779 with asparagine.
Molecular consequence: missense variant.
Genome position (GRCh38, 1-based): chr4:15,550,978, G>A. VCF-style: chr4-15550978-G-A. GRCh37 (hg19) VCF-style: chr4-15552601-G-A.
Other names: c.2336G>A, p.Ser779Asn (NM_001080522.2); c.2189G>A, p.Ser730Asn (NM_001378617.1); short protein forms S730N, S779N.
Identifiers: ClinVar variation 1479209 (VCV001479209.8), dbSNP rs2109050322, ClinGen allele CA356417578.
Genomic context (GRCh38, chr4:15,550,978, plus strand): 5'-CTGAAGAAGTGGAGTTTAGCAGTAATCAGCATGTGACACTGGACCACGAGGGAGTTGGAA[G>A]TGGTATGGAAAGCTAATATCTTCAATGGTTCACTGTTTCATTGTCAGATTTGAATGTGTA-3'
Protein context (NP_001365544.1, residues 769-789): HVTLDHEGVG[Ser779Asn]GVPFSFEADG

ClinVar aggregate classification (germline): Uncertain significance (1 of 4 stars; one submission).

Conditions:
Joubert syndrome. Also called: JOUBERT-BOLTSHAUSER SYNDROME; Familial aplasia of the vermis. Identifiers: Orphanet 475, MedGen C5979921, MONDO:0018772.
Meckel-Gruber syndrome. Also called: DYSENCEPHALIA SPLANCHNOCYSTICA; GRUBER SYNDROME; Dysencephalia splachnocystica. Identifiers: Orphanet 564, MedGen C0265215, MONDO:0018921.

Submission:

Labcorp Genetics (formerly Invitae), Labcorp
Classification: Uncertain significance for Joubert syndrome; Meckel-Gruber syndrome. Last evaluated: 2021-05-05. Review status: criteria provided, single submitter. Criteria: Invitae Variant Classification Sherloc (09022015). Collection method: clinical testing. Allele origin: germline.
Comment: This variant has not been reported in the literature in individuals with CC2D2A-related conditions. This variant is not present in population databases (ExAC no frequency). This sequence change replaces serine with asparagine at codon 779 of the CC2D2A protein (p.Ser779Asn). The serine residue is highly conserved and there is a small physicochemical difference between serine and asparagine. Algorithms developed to predict the effect of missense changes on protein structure and function are either unavailable or do not agree on the potential impact of this missense change (SIFT: "Tolerated"; PolyPhen-2: "Probably Damaging"; Align-GVGD: "Class C0"). In summary, the available evidence is currently insufficient to determine the role of this variant in disease. Therefore, it has been classified as a Variant of Uncertain Significance.